The following is an entry in ClinVar:

NM_004370.6(COL12A1):c.3552A>G (p.Pro1184=)

Gene: COL12A1 (collagen type XII alpha 1 chain; minus strand). Cytogenetic location: 6q13.
Variant type: single nucleotide variant.
Coding change: c.3552A>G on transcript NM_004370.6 (MANE Select); coding-DNA position 3552, A replaced by G.
Protein change: p.Pro1184=; no amino-acid change (proline 1184 retained).
Molecular consequence: synonymous variant. On other transcripts: intron variant (2).
Genome position (GRCh38, 1-based): chr6:75,154,429, T>C on the plus strand (A>G on the coding strand, the complement: COL12A1 is on the minus strand). VCF-style: chr6-75154429-T-C. GRCh37 (hg19) VCF-style: chr6-75864145-T-C.
Other names: p.Pro1184=; c.3552A>G, p.Pro1184= (NM_001424113.1, NM_001424114.1); c.3279A>G, p.Pro1093= (NM_001424115.1); c.74-1947A>G (NM_001424116.1, NM_080645.3).
Identifiers: ClinVar variation 4683208 (VCV004683208.1).
Genomic context (GRCh38, chr6:75,154,429, plus strand): 5'-TAGTTTCCTAAGTTGTTTTCCTCAAGGAATGTAACTCAATTTCTTACCAGAAGATAAAAT[T>C]GGCATAACAGTTGTGTCGGAAAGGGTTGTCATTTCTTGTCCAACAAGTGGTGAGCTTTCT-3'
Protein context (NP_004361.3, residues 1174-1194): MTTLSDTTVM[Pro1184=]ILSSGMECLT

ClinVar aggregate classification (germline): Likely benign (1 of 4 stars; one submission).

Submission:

Mayo Clinic Laboratories, Mayo Clinic
Classification: Likely benign. Last evaluated: 2025-07-21. Review status: criteria provided, single submitter. Criteria: ACMG Guidelines, 2015. Collection method: clinical testing. Allele origin: germline. Observed: 1 variant allele.
Comment: BP4, BP7, PM2_supporting